The following is an entry in ClinVar:

NM_033159.4(HYAL1):c.866T>G (p.Ile289Ser)

Gene: HYAL1 (hyaluronidase 1; minus strand). Cytogenetic location: 3p21.31.
Variant type: single nucleotide variant.
Coding change: c.866T>G on transcript NM_033159.4 (MANE Select); coding-DNA position 866, T replaced by G.
Protein change: p.Ile289Ser; replaces isoleucine 289 with serine.
Molecular consequence: missense variant. On other transcripts: non-coding transcript variant (1).
Genome position (GRCh38, 1-based): chr3:50,302,091, A>C on the plus strand (T>G on the coding strand, the complement: HYAL1 is on the minus strand). VCF-style: chr3-50302091-A-C. GRCh37 (hg19) VCF-style: chr3-50339522-A-C.
Other names: c.866T>G, p.Ile289Ser (NM_153281.2, NM_153282.3); c.320T>G, p.Ile107Ser (NM_153283.3); c.89T>G, p.Ile30Ser (NM_153285.3); short protein forms I289S, I107S, I30S.
Identifiers: ClinVar variation 3631372 (VCV003631372.2).
Genomic context (GRCh38, chr3:50,302,091, plus strand): 5'-AGGTGGGCAGGTTACAGAAGACTCACCAGGGGCAGAAAGTGGTTTGTCGTGTCATAGAAG[A>C]TCTGGACATAGGGCAGCACCGGCAGATTGGGGTCACCAGCAGCCACAGCCACACGGAATG-3'
Protein context (NP_149349.2, residues 279-299): PNLPVLPYVQ[Ile289Ser]FYDTTNHFLP

ClinVar aggregate classification (germline): Uncertain significance (1 of 4 stars; one submission).

Conditions:
Deficiency of hyaluronoglucosaminidase (MPS9). Also called: MPS IX; Mucopolysaccharidosis type 9; HYALURONIDASE DEFICIENCY. Identifiers: Orphanet 67041, MedGen C1291490, MONDO:0011093, OMIM 601492.

Submission:

Labcorp Genetics (formerly Invitae), Labcorp
Classification: Uncertain significance for Deficiency of hyaluronoglucosaminidase. Last evaluated: 2024-02-28. Review status: criteria provided, single submitter. Criteria: Invitae Variant Classification Sherloc (09022015). Collection method: clinical testing. Allele origin: germline.
Comment: This sequence change replaces isoleucine, which is neutral and non-polar, with serine, which is neutral and polar, at codon 289 of the HYAL1 protein (p.Ile289Ser). This variant is not present in population databases (gnomAD no frequency). This variant has not been reported in the literature in individuals affected with HYAL1-related conditions. An algorithm developed to predict the effect of missense changes on protein structure and function (PolyPhen-2) suggests that this variant is likely to be disruptive. In summary, the available evidence is currently insufficient to determine the role of this variant in disease. Therefore, it has been classified as a Variant of Uncertain Significance.